The following is an entry in ClinVar:

NM_000062.3(SERPING1):c.506T>C (p.Phe169Ser)

Gene: SERPING1 (serpin family G member 1; plus strand). Cytogenetic location: 11q12.1.
Variant type: single nucleotide variant.
Coding change: c.506T>C on transcript NM_000062.3 (MANE Select); coding-DNA position 506, T replaced by C.
Protein change: p.Phe169Ser; replaces phenylalanine 169 with serine.
Molecular consequence: missense variant.
Genome position (GRCh38, 1-based): chr11:57,600,333, T>C. VCF-style: chr11-57600333-T-C. GRCh37 (hg19) VCF-style: chr11-57367806-T-C.
Other names: c.506T>C, p.Phe169Ser (NM_001032295.2); short protein forms F169S.
Identifiers: ClinVar variation 3255485 (VCV003255485.3), dbSNP rs2495426721.

ClinVar aggregate classification (germline): Pathogenic/Likely pathogenic. Review status: criteria provided, multiple submitters, no conflicts (2 of 4 stars). 2 submissions from 2 submitters: Pathogenic (1); Likely pathogenic (1). Last evaluated 2025-07-19.

Conditions:
Hereditary angioedema type 1 (HAE1). Identifiers: Orphanet 100050, Orphanet 100051, Orphanet 91378, MedGen C2717906, MONDO:0015053, OMIM 106100.

Submissions (2):

Labcorp Genetics (formerly Invitae), Labcorp
Classification: Likely pathogenic. Last evaluated: 2025-07-19. Review status: criteria provided, single submitter. Criteria: Invitae Variant Classification Sherloc (09022015). Collection method: clinical testing. Allele origin: germline.
Comment: This sequence change replaces phenylalanine, which is neutral and non-polar, with serine, which is neutral and polar, at codon 169 of the SERPING1 protein (p.Phe169Ser). This variant is not present in population databases (gnomAD no frequency). This missense change has been observed in individuals with autosomal dominant angioedema (PMID: 8755917, 37620742). This variant is also known as F147S. ClinVar contains an entry for this variant (Variation ID: 3255485). Invitae Evidence Modeling of protein sequence and biophysical properties (such as structural, functional, and spatial information, amino acid conservation, physicochemical variation, residue mobility, and thermodynamic stability) indicates that this missense variant is expected to disrupt SERPING1 protein function with a positive predictive value of 80%. In summary, the currently available evidence indicates that the variant is pathogenic, but additional data are needed to prove that conclusively. Therefore, this variant has been classified as Likely Pathogenic.

DNA-diagnostics Laboratory, Research Centre For Medical Genetics
Classification: Pathogenic for Hereditary angioedema type 1. Last evaluated: 2024-07-20. Review status: criteria provided, single submitter. Criteria: ACMG Guidelines, 2015. Collection method: research. Allele origin: germline. Inheritance: Autosomal dominant inheritance. Affected: yes. Observed: 1 variant allele.
Comment: According to our observation and the published information of Verpy et al., 1996, the c.506T>C variant in SERPING1 meets ACMG/ClinGen SVI guidance criteria to be classified as pathogenic: PP3_Str, PM6, PS4_Mod, PM2_Sup, PP2, PP4

Literature cited by the submitters: PubMed 8755917 (cited by Labcorp Genetics (formerly Invitae), Labcorp and DNA-diagnostics Laboratory, Research Centre For Medical Genetics); PubMed 37620742 (cited by Labcorp Genetics (formerly Invitae), Labcorp).